The following is an entry in ClinVar:

NM_001283009.2(RTEL1):c.3136_3138del (p.Gly1046del)

Genes: RTEL1 (regulator of telomere elongation helicase 1; plus strand), RTEL1-TNFRSF6B (RTEL1-TNFRSF6B readthrough (NMD candidate); plus strand). Cytogenetic location: 20q13.33.
Variant type: Deletion.
Coding change: c.3136_3138del on transcript NM_001283009.2 (MANE Select); coding-DNA positions 3136 to 3138, 3 bases deleted (GGG; older notation c.3136_3138delGGG).
Protein change: p.Gly1046del; deletes glycine 1046.
Molecular consequence: inframe deletion. On other transcripts: non-coding transcript variant (1).
Genome position (GRCh38, 1-based): chr20:63,694,767-63,694,769, GGG deleted; deleting any 3 consecutive bases within chr20:63,694,765-63,694,769 gives the same sequence; the c. name uses the placement nearest the transcript's 3' end. VCF-style (leftmost placement, unchanged base first): chr20-63694764-TGGG-T. GRCh37 (hg19) VCF-style: chr20-62326117-TGGG-T.
Other names: c.3208_3210delGGG (NM_032957.4); c.2467_2469del, p.Gly823del (NM_001283010.1); c.3136_3138del, p.Gly1046del (NM_016434.4); c.3208_3210del, p.Gly1070del (NM_032957.5); short protein forms G1046del, G1070del, G823del.
Identifiers: ClinVar variation 553952 (VCV000553952.5), dbSNP rs1555814207, ClinGen allele CA658824165.
Genomic context (GRCh38, chr20:63,694,764, plus strand): 5'-CCCAGCGCCACTCTGAGCCATGCTACTCCCACACCAGGAGACCCTGGCAGCCAACCACAG[TGGG>T]GGTCTGGAGTGCCCAGAGCAGGGAAGCAGGGCCAGCACGCCGTGAGCGCCTACCTGGCTG-3'

ClinVar aggregate classification (germline): Uncertain significance. Review status: criteria provided, single submitter (1 of 4 stars). 2 submissions from 2 submitters: Uncertain significance (1). 1 of the submissions does not count toward it. Last evaluated 2024-04-27.

Conditions:
Pulmonary fibrosis and/or bone marrow failure, Telomere-related, 3. Also called: PULMONARY FIBROSIS AND/OR BONE MARROW FAILURE SYNDROME, TELOMERE-RELATED, 3. Identifiers: Orphanet 2032, MedGen C4225346, MONDO:0014613, OMIM 616373.
Dyskeratosis congenita, autosomal recessive 5 (DKCB5). Identifiers: MedGen C3554656, MONDO:0014076, OMIM 615190.

Submissions (2):

Labcorp Genetics (formerly Invitae), Labcorp
Classification: Uncertain significance for Dyskeratosis congenita, autosomal recessive 5; Pulmonary fibrosis and/or bone marrow failure, Telomere-related, 3. Last evaluated: 2024-04-27. Review status: criteria provided, single submitter. Criteria: Invitae Variant Classification Sherloc (09022015). Collection method: clinical testing. Allele origin: germline.
Comment: This variant, c.3136_3138del, results in the deletion of 1 amino acid(s) of the RTEL1 protein (p.Gly1046del), but otherwise preserves the integrity of the reading frame. This variant is not present in population databases (gnomAD no frequency). This variant has not been reported in the literature in individuals affected with RTEL1-related conditions. ClinVar contains an entry for this variant (Variation ID: 553952). Experimental studies and prediction algorithms are not available or were not evaluated, and the functional significance of this variant is currently unknown. In summary, the available evidence is currently insufficient to determine the role of this variant in disease. Therefore, it has been classified as a Variant of Uncertain Significance.

Counsyl
Classification: Uncertain significance for Dyskeratosis congenita, autosomal recessive 5. Last evaluated: 2017-09-20. Review status: no assertion criteria provided. Collection method: clinical testing. Allele origin: unknown. Not counted in ClinVar's aggregate classification.